The following is an entry in ClinVar:

ClinVar aggregate classification (germline): Uncertain significance. Review status: criteria provided, multiple submitters, no conflicts (2 of 4 stars). 5 submissions from 5 submitters: Uncertain significance (5). Last evaluated 2025-10-28.

Conditions:
Inborn genetic diseases. Identifiers: MedGen C0950123, MeSH D030342.
Polycystic kidney disease, adult type (PKD1). Also called: Polycystic Kidney Disease 1, Autosomal Dominant; Polycystic kidney disease 1; Polycystic kidney disease 1, severe; POLYCYSTIC KIDNEY DISEASE 1 WITH OR WITHOUT POLYCYSTIC LIVER DISEASE; POLYCYSTIC KIDNEY DISEASE, ADULT, TYPE I; Polycystic Kidney, Autosomal Dominant. Identifiers: MedGen C3149841, MONDO:0008263, OMIM 173900.
PKD1-related disorder. Also called: PKD1-related condition.

Allele frequency attached by ClinVar (database versions not stated): TOPMed 0.00001.
gnomAD v4.1: 45 of 1,600,346 alleles (0.0028%); highest among the groups gnomAD compares: Non-Finnish European, 0.0034%; no homozygotes.

Submissions (5):

Women's Health and Genetics/Laboratory Corporation of America, LabCorp
Classification: Uncertain significance. Last evaluated: 2025-10-28. Review status: criteria provided, single submitter. Criteria: LabCorp Variant Classification Summary - May 2015. Collection method: clinical testing. Allele origin: germline.
Comment: Variant summary: PKD1 c.12827G>A (p.Arg4276Gln) results in a conservative amino acid change in the encoded protein sequence. Algorithms developed to predict the effect of missense changes on protein structure and function all suggest that this variant is likely to be tolerated. The variant allele was found at a frequency of 2.8e-05 in 1600346 control chromosomes. This frequency is not significantly higher than estimated for disease-causing variants in PKD1, allowing no conclusion about variant significance. To our knowledge, no occurrence of c.12827G>A in individuals affected with PKD1-related conditions and no experimental evidence demonstrating its impact on protein function have been reported. ClinVar contains an entry for this variant (Variation ID: 447966). Based on the evidence outlined above, the variant was classified as uncertain significance.

3billion
Classification: Uncertain significance for PKD1-related disorder. Last evaluated: 2025-09-09. Review status: criteria provided, single submitter. Criteria: ACMG Guidelines, 2015. Collection method: clinical testing. Allele origin: germline. Affected: yes.
Comment: The variant is observed at an extremely low frequency in the gnomAD v4.1.0 dataset (total allele frequency: 0.003%). Predicted Consequence/Location: Missense variant In silico tool predictions suggest no damaging effect of the variant on gene or gene product [REVEL: 0.02 (<0.4); 3Cnet: 0.00 (<0.1, specificity 0.84 and negative predicitive value 0.97)]. A different missense change at the same codon (p.Arg4276Trp) has been reported to be associated with PKD1-related disorder (PMID: 10200984). However the evidence of pathogenicity is insufficient at this time. Therefore, this variant is classified as VUS according to the recommendation of ACMG/AMP guideline.

Fulgent Genetics
Classification: Uncertain significance for Polycystic kidney disease, adult type. Last evaluated: 2024-04-24. Review status: criteria provided, single submitter. Criteria: ACMG Guidelines, 2015. Collection method: clinical testing. Allele origin: germline.

Ambry Genetics
Classification: Uncertain significance for Inborn genetic diseases. Last evaluated: 2023-09-14. Review status: criteria provided, single submitter. Criteria: Ambry Variant Classification Scheme 2023. Collection method: clinical testing. Allele origin: germline.

Athena Diagnostics
Classification: Uncertain significance. Last evaluated: 2016-08-01. Review status: criteria provided, single submitter. Criteria: Athena Diagnostics Criteria. Collection method: clinical testing. Allele origin: germline.

Literature cited by the submitters: PubMed 10200984 (cited by 3billion).

NM_001009944.3(PKD1):c.12827G>A (p.Arg4276Gln)

Gene: PKD1 (polycystin 1, transient receptor potential channel interacting; minus strand). Cytogenetic location: 16p13.3.
Variant type: single nucleotide variant.
Coding change: c.12827G>A on transcript NM_001009944.3 (MANE Select); coding-DNA position 12827, G replaced by A.
Protein change: p.Arg4276Gln; replaces arginine 4276 with glutamine.
Molecular consequence: missense variant.
Genome position (GRCh38, 1-based): chr16:2,089,812, C>T on the plus strand (G>A on the coding strand, the complement: PKD1 is on the minus strand). VCF-style: chr16-2089812-C-T. GRCh37 (hg19) VCF-style: chr16-2139813-C-T.
Other names: c.12824G>A, p.Arg4275Gln (NM_000296.4); short protein forms R4275Q, R4276Q.
Identifiers: ClinVar variation 447966 (VCV000447966.7), dbSNP rs1188304476, ClinGen allele CA394319457.